The following is an entry in ClinVar:

ClinVar aggregate classification (germline): Uncertain significance (1 of 4 stars; one submission).

Submission:

Ambry Genetics
Classification: Uncertain significance. Last evaluated: 2026-03-01. Review status: criteria provided, single submitter. Criteria: Ambry Variant Classification Scheme 2023. Collection method: clinical testing. Allele origin: germline.
Comment: The p.V607L variant (also known as c.1819G>C), located in coding exon 9 of the ATRIP gene, results from a G to C substitution at nucleotide position 1819. The valine at codon 607 is replaced by leucine, an amino acid with highly similar properties. This amino acid position is conserved. In addition, this alteration is predicted to be tolerated by in silico analysis. Based on the available evidence, the clinical significance of this variant remains unclear.

NM_130384.3(ATRIP):c.1819G>C (p.Val607Leu)

Genes: ATRIP (ATR interacting protein; plus strand), ATRIP-TREX1 (ATRIP-TREX1 readthrough; plus strand). Cytogenetic location: 3p21.31.
Variant type: single nucleotide variant.
Coding change: c.1819G>C on transcript NM_130384.3 (MANE Select); coding-DNA position 1819, G replaced by C.
Protein change: p.Val607Leu; replaces valine 607 with leucine.
Molecular consequence: missense variant. On other transcripts: non-coding transcript variant (1).
Genome position (GRCh38, 1-based): chr3:48,463,818, G>C. VCF-style: chr3-48463818-G-C. GRCh37 (hg19) VCF-style: chr3-48505217-G-C.
Other names: c.1438G>C, p.Val480Leu (NM_001271022.2); c.1540G>C, p.Val514Leu (NM_001271023.2); c.1819G>C, p.Val607Leu (NM_032166.4); short protein forms V607L, V480L, V514L.
Identifiers: ClinVar variation 4826271 (VCV004826271.1).